The following is an entry in ClinVar:

NM_005188.4(CBL):c.438G>T (p.Gln146His)

Gene: CBL (Cbl proto-oncogene; plus strand). Cytogenetic location: 11q23.3.
Variant type: single nucleotide variant.
Coding change: c.438G>T on transcript NM_005188.4 (MANE Select); coding-DNA position 438, G replaced by T.
Protein change: p.Gln146His; replaces glutamine 146 with histidine.
Molecular consequence: missense variant.
Genome position (GRCh38, 1-based): chr11:119,232,690, G>T. VCF-style: chr11-119232690-G-T. GRCh37 (hg19) VCF-style: chr11-119103400-G-T.
Other names: short protein forms Q146H.
Identifiers: ClinVar variation 2883217 (VCV002883217.4), dbSNP rs755204320, ClinGen allele CA229635154.

ClinVar aggregate classification (germline): Uncertain significance. Review status: criteria provided, multiple submitters, no conflicts (2 of 4 stars). 2 submissions from 2 submitters: Uncertain significance (2). Last evaluated 2026-01-02.

Conditions:
RASopathy. Also called: Noonan spectrum disorder; rasopathies. Identifiers: Orphanet 536391, MedGen C5555857, MONDO:0021060.

Allele frequency attached by ClinVar (database versions not stated): gnomAD 0.00001; gnomAD exomes 0.00001.
gnomAD v4.1: 14 of 1,612,990 alleles (0.00087%); highest among the groups gnomAD compares: African/African-American, 0.0013%; no homozygotes.

Submissions (2):

Women's Health and Genetics/Laboratory Corporation of America, LabCorp
Classification: Uncertain significance. Last evaluated: 2026-01-02. Review status: criteria provided, single submitter. Criteria: LabCorp Variant Classification Summary - May 2015. Collection method: clinical testing. Allele origin: germline.

Labcorp Genetics (formerly Invitae), Labcorp
Classification: Uncertain significance for RASopathy. Last evaluated: 2023-11-10. Review status: criteria provided, single submitter. Criteria: Invitae Variant Classification Sherloc (09022015). Collection method: clinical testing. Allele origin: germline.
Comment: This sequence change replaces glutamine, which is neutral and polar, with histidine, which is basic and polar, at codon 146 of the CBL protein (p.Gln146His). This variant is present in population databases (rs755204320, gnomAD 0.002%). This variant has not been reported in the literature in individuals affected with CBL-related conditions. Advanced modeling of protein sequence and biophysical properties (such as structural, functional, and spatial information, amino acid conservation, physicochemical variation, residue mobility, and thermodynamic stability) performed at Invitae indicates that this missense variant is not expected to disrupt CBL protein function with a negative predictive value of 95%. In summary, the available evidence is currently insufficient to determine the role of this variant in disease. Therefore, it has been classified as a Variant of Uncertain Significance.